The following is an entry in ClinVar:

ClinVar aggregate classification (germline): Pathogenic (1 of 4 stars; one submission).

Conditions:
Scoliosis. Identifiers: MedGen C0036439, MONDO:0005392, HP:0002650.

Submission:

Beijing Key Laboratory for Genetic Research of Skeletal Deformity, Peking Union Medical College Hospital
Classification: Pathogenic for scoliosis. Last evaluated: 2019-08-01. Review status: criteria provided, single submitter. Criteria: ACMG Guidelines, 2015. Collection method: research. Allele origin: germline. Affected: yes. Observed: 1 variant allele.
Comment: This variant in trans with hypomorphic TBX6 allele contributes to congenital scoliosis development

Literature cited by the submitters: PubMed 25564734.

NM_004608.4(TBX6):c.473_475dup (p.Trp158_Glu159insGly)

Gene: TBX6 (T-box transcription factor 6; minus strand). Cytogenetic location: 16p11.2.
Variant type: Duplication.
Coding change: c.473_475dup on transcript NM_004608.4 (MANE Select); coding-DNA positions 473 to 475, 3 bases duplicated (GGG; older notation c.473_475dupGGG).
Protein change: p.Trp158_Glu159insGly.
Molecular consequence: inframe insertion.
Genome position (GRCh38, 1-based): chr16:30,089,089-30,089,091, CCC duplicated on the plus strand (GGG on the coding strand, the reverse complement: TBX6 is on the minus strand). VCF-style (leftmost placement, unchanged base first): chr16-30089088-T-TCCC. GRCh37 (hg19) VCF-style: chr16-30100409-T-TCCC.
Other names: c.473_475dupGGG (NM_004608.3).
Identifiers: ClinVar variation 694406 (VCV000694406.1), dbSNP rs1596852902, ClinGen allele CA915949235.